The following is an entry in ClinVar:

NM_000719.7(CACNA1C):c.1420G>A (p.Val474Ile)

Gene: CACNA1C (calcium voltage-gated channel subunit alpha1 C; plus strand). Cytogenetic location: 12p13.33.
Variant type: single nucleotide variant.
Coding change: c.1420G>A on transcript NM_000719.7 (MANE Select); coding-DNA position 1420, G replaced by A.
Protein change: p.Val474Ile; replaces valine 474 with isoleucine.
Molecular consequence: missense variant.
Genome position (GRCh38, 1-based): chr12:2,549,972, G>A. VCF-style: chr12-2549972-G-A. GRCh37 (hg19) VCF-style: chr12-2659138-G-A.
Other names: c.1420G>A, p.Val474Ile (NM_001129837.2, NM_001129838.2, NM_001129839.2 and 18 more transcripts); c.1411G>A, p.Val471Ile (NM_001129844.2); short protein forms V474I, V471I.
Identifiers: ClinVar variation 264623 (VCV000264623.15), dbSNP rs765581751, ClinGen allele CA6388731.

ClinVar aggregate classification (germline): Conflicting classifications of pathogenicity. Review status: criteria provided, conflicting classifications (1 of 4 stars). 2 submissions from 2 submitters: Uncertain significance (1); Likely benign (1). Last evaluated 2025-06-04.

Conditions:
Long QT syndrome (LQTS). Identifiers: MedGen C0023976, MeSH D008133, MONDO:0002442. Disease mechanism: loss of function. Inheritance: Various modes of inheritance.
Cardiovascular phenotype. Identifiers: MedGen CN230736.

Allele frequency attached by ClinVar (database versions not stated): gnomAD 0.00001.
gnomAD v4.1: 22 of 1,606,958 alleles (0.0014%); highest among the groups gnomAD compares: African/African-American, 0.004%; no homozygotes.

Submissions (2):

Labcorp Genetics (formerly Invitae), Labcorp
Classification: Likely benign for Long QT syndrome. Last evaluated: 2025-06-04. Review status: criteria provided, single submitter. Criteria: Invitae Variant Classification Sherloc (09022015). Collection method: clinical testing. Allele origin: germline.

Ambry Genetics
Classification: Uncertain significance for Cardiovascular phenotype. Last evaluated: 2024-09-11. Review status: criteria provided, single submitter. Criteria: Ambry Variant Classification Scheme 2023. Collection method: clinical testing. Allele origin: germline.
Comment: The p.V474I variant (also known as c.1420G>A), located in coding exon 10 of the CACNA1C gene, results from a G to A substitution at nucleotide position 1420. The valine at codon 474 is replaced by isoleucine, an amino acid with highly similar properties. This amino acid position is highly conserved in available vertebrate species. In addition, the in silico prediction for this alteration is inconclusive. Based on the available evidence, the clinical significance of this variant remains unclear.